The following is an entry in ClinVar:

NM_001365999.1(SZT2):c.4136G>C (p.Arg1379Pro)

Gene: SZT2 (SZT2 subunit of KICSTOR complex; plus strand). Cytogenetic location: 1p34.2.
Variant type: single nucleotide variant.
Coding change: c.4136G>C on transcript NM_001365999.1 (MANE Select); coding-DNA position 4136, G replaced by C.
Protein change: p.Arg1379Pro; replaces arginine 1379 with proline.
Molecular consequence: missense variant.
Genome position (GRCh38, 1-based): chr1:43,428,456, G>C. VCF-style: chr1-43428456-G-C. GRCh37 (hg19) VCF-style: chr1-43894127-G-C.
Other names: c.3965G>C, p.Arg1322Pro (NM_015284.4); short protein forms R1322P, R1379P.
Identifiers: ClinVar variation 1039359 (VCV001039359.10), dbSNP rs755722250, ClinGen allele CA340020085.
Genomic context (GRCh38, chr1:43,428,456, plus strand): 5'-GTCCTGGTCCTCTCAGCCCTGGGCCCTTCAGCAGCAGCATGGAGGAGGGTGCTGAACCTC[G>C]GGAACGAGCTATCCTAGCTTCTGAATCCAGGTTAGGATTATACTTGAATGATGGATAAGG-3'
Protein context (NP_001352928.1, residues 1369-1389): SSSMEEGAEP[Arg1379Pro]ERAILASESS

ClinVar aggregate classification (germline): Uncertain significance (1 of 4 stars; one submission).

Submission:

Labcorp Genetics (formerly Invitae), Labcorp
Classification: Uncertain significance. Last evaluated: 2022-07-14. Review status: criteria provided, single submitter. Criteria: Invitae Variant Classification Sherloc (09022015). Collection method: clinical testing. Allele origin: germline.
Comment: This variant has not been reported in the literature in individuals affected with SZT2-related conditions. In summary, the available evidence is currently insufficient to determine the role of this variant in disease. Therefore, it has been classified as a Variant of Uncertain Significance. Algorithms developed to predict the effect of missense changes on protein structure and function (SIFT, PolyPhen-2, Align-GVGD) all suggest that this variant is likely to be disruptive. ClinVar contains an entry for this variant (Variation ID: 1039359). This variant is not present in population databases (gnomAD no frequency). This sequence change replaces arginine, which is basic and polar, with proline, which is neutral and non-polar, at codon 1322 of the SZT2 protein (p.Arg1322Pro).